The following is an entry in ClinVar:

ClinVar aggregate classification (germline): Uncertain significance (1 of 4 stars; one submission).

Conditions:
Long QT syndrome (LQTS). Identifiers: MedGen C0023976, MeSH D008133, MONDO:0002442. Disease mechanism: loss of function. Inheritance: Various modes of inheritance.

Submission:

Labcorp Genetics (formerly Invitae), Labcorp
Classification: Uncertain significance for Long QT syndrome. Last evaluated: 2023-04-09. Review status: criteria provided, single submitter. Criteria: Invitae Variant Classification Sherloc (09022015). Collection method: clinical testing. Allele origin: germline.
Comment: This variant has not been reported in the literature in individuals affected with CACNA1C-related conditions. In summary, the available evidence is currently insufficient to determine the role of this variant in disease. Therefore, it has been classified as a Variant of Uncertain Significance. Advanced modeling of protein sequence and biophysical properties (such as structural, functional, and spatial information, amino acid conservation, physicochemical variation, residue mobility, and thermodynamic stability) performed at Invitae indicates that this missense variant is not expected to disrupt CACNA1C protein function. This variant is not present in population databases (gnomAD no frequency). This sequence change replaces glutamic acid, which is acidic and polar, with aspartic acid, which is acidic and polar, at codon 1873 of the CACNA1C protein (p.Glu1873Asp).

NM_000719.7(CACNA1C):c.5619G>C (p.Glu1873Asp)

Genes: CACNA1C-AS1 (CACNA1C antisense RNA 1; minus strand), CACNA1C (calcium voltage-gated channel subunit alpha1 C; plus strand). Cytogenetic location: 12p13.33.
Variant type: single nucleotide variant.
Coding change: c.5619G>C on transcript NM_000719.7 (MANE Select); coding-DNA position 5619, G replaced by C.
Protein change: p.Glu1873Asp; replaces glutamic acid 1873 with aspartic acid.
Molecular consequence: missense variant.
Genome position (GRCh38, 1-based): chr12:2,685,781, G>C. VCF-style: chr12-2685781-G-C. GRCh37 (hg19) VCF-style: chr12-2794947-G-C.
Other names: c.5703G>C, p.Glu1901Asp (NM_001129831.2); c.5679G>C, p.Glu1893Asp (NM_001129832.2); c.5676G>C, p.Glu1892Asp (NM_001129833.2, NM_001129834.2, NM_001129835.2); c.5670G>C, p.Glu1890Asp (NM_001129836.2); c.5643G>C, p.Glu1881Asp (NM_001129837.2, NM_001129838.2); c.5637G>C, p.Glu1879Asp (NM_001129839.2); c.5619G>C, p.Glu1873Asp (NM_001129840.2, NM_001129841.2, NM_001129842.2 and 2 more transcripts); c.5610G>C, p.Glu1870Asp (NM_001129844.2); and 6 more; short protein forms E1870D, E1933D, E1879D, E1893D, E1901D, E1921D, E1956D, E1873D.
Identifiers: ClinVar variation 2796228 (VCV002796228.3), dbSNP rs2097427730, ClinGen allele CA383382014.